The following is an entry in ClinVar:

NM_004963.4(GUCY2C):c.1510C>T (p.Arg504Ter)

Gene: GUCY2C (guanylate cyclase 2C; minus strand). Cytogenetic location: 12p12.3.
Variant type: single nucleotide variant.
Coding change: c.1510C>T on transcript NM_004963.4 (MANE Select); coding-DNA position 1510, C replaced by T.
Protein change: p.Arg504Ter; replaces arginine 504 with a stop codon.
Molecular consequence: nonsense.
Genome position (GRCh38, 1-based): chr12:14,652,975, G>A on the plus strand (C>T on the coding strand, the complement: GUCY2C is on the minus strand). VCF-style: chr12-14652975-G-A. GRCh37 (hg19) VCF-style: chr12-14805909-G-A.
Other names: short protein forms R504*.
Identifiers: ClinVar variation 1906619 (VCV001906619.5), dbSNP rs750160945, ClinGen allele CA6463393.

ClinVar aggregate classification (germline): Uncertain significance (1 of 4 stars; one submission).

Allele frequency attached by ClinVar (database versions not stated): TOPMed below 0.00001; ExAC 0.00001; gnomAD 0.00001; gnomAD exomes 0.00001.
gnomAD v4.1: 14 of 1,610,866 alleles (0.00087%); highest among the groups gnomAD compares: East Asian, 0.0022%; no homozygotes.

Submission:

Labcorp Genetics (formerly Invitae), Labcorp
Classification: Uncertain significance. Last evaluated: 2024-07-15. Review status: criteria provided, single submitter. Criteria: Invitae Variant Classification Sherloc (09022015). Collection method: clinical testing. Allele origin: germline.
Comment: This sequence change creates a premature translational stop signal (p.Arg504*) in the GUCY2C gene. It is expected to result in an absent or disrupted protein product. However, the current clinical and genetic evidence is not sufficient to establish whether loss-of-function variants in GUCY2C cause disease. This variant is not present in population databases (gnomAD no frequency). This variant has not been reported in the literature in individuals affected with GUCY2C-related conditions. ClinVar contains an entry for this variant (Variation ID: 1906619). Algorithms developed to predict the effect of sequence changes on RNA splicing suggest that this variant may disrupt the consensus splice site. In summary, the available evidence is currently insufficient to determine the role of this variant in disease. Therefore, it has been classified as a Variant of Uncertain Significance.